The following is an entry in ClinVar:

NM_005359.6(SMAD4):c.1230G>A (p.Gln410=)

Gene: SMAD4 (SMAD family member 4; plus strand). Cytogenetic location: 18q21.2.
Variant type: single nucleotide variant.
Coding change: c.1230G>A on transcript NM_005359.6 (MANE Select); coding-DNA position 1230, G replaced by A.
Protein change: p.Gln410=; no amino-acid change (glutamine 410 retained).
Molecular consequence: synonymous variant.
Genome position (GRCh38, 1-based): chr18:51,067,109, G>A. VCF-style: chr18-51067109-G-A. GRCh37 (hg19) VCF-style: chr18-48593479-G-A.
Identifiers: ClinVar variation 818654 (VCV000818654.14), dbSNP rs1599197071, ClinGen allele CA503874251.
Genomic context (GRCh38, chr18:51,067,109, plus strand): 5'-ATGTAAAGGTGAAGGTGATGTTTGGGTCAGGTGCCTTAGTGACCACGCGGTCTTTGTACA[G>A]AGTTACTACTTAGACAGAGAAGCTGGGCGTGCACCTGGAGATGCTGTTCATAAGATCTAC-3'
Protein context (NP_005350.1, residues 400-420): RCLSDHAVFV[Gln410=]SYYLDREAGR

ClinVar aggregate classification (germline): Benign/Likely benign. Review status: criteria provided, multiple submitters, no conflicts (2 of 4 stars). 3 submissions from 3 submitters: Benign (1); Likely benign (2). Last evaluated 2025-03-21.

Conditions:
Juvenile polyposis syndrome (JPS). Identifiers: Orphanet 2929, MedGen C0345893, MONDO:0017380, OMIM 174900.
Familial thoracic aortic aneurysm and aortic dissection (TAAD). Also called: Thoracic aortic aneurysms and dissections. Identifiers: Orphanet 91387, MedGen C4707243, MONDO:0019625.
Hereditary cancer-predisposing syndrome. Also called: Neoplastic Syndromes, Hereditary; Hereditary neoplastic syndrome; Hereditary Cancer Syndrome; Tumor predisposition. Identifiers: Orphanet 140162, MedGen C0027672, MeSH D009386, MONDO:0015356.
Juvenile polyposis/hereditary hemorrhagic telangiectasia syndrome (JPHT). Also called: JP/HHT SYNDROME; JUVENILE POLYPOSIS WITH HEREDITARY HEMORRHAGIC TELANGIECTASIA; POLYPOSIS, GENERALIZED JUVENILE, WITH PULMONARY ARTERIOVENOUS MALFORMATION; TELANGIECTASIA, HEREDITARY HEMORRHAGIC, WITH JUVENILE POLYPOSIS COLI; Juvenile Polyposis Syndrome / Hereditary Hemorrhagic Telangiectasia (JPS/HHT). Identifiers: Orphanet 2929, MedGen C1832942, MONDO:0008278, OMIM 175050.

Submissions (3):

Myriad Genetics, Inc.
Classification: Benign for Juvenile polyposis/hereditary hemorrhagic telangiectasia syndrome. Last evaluated: 2025-03-21. Review status: criteria provided, single submitter. Criteria: Myriad Autosomal Dominant, Autosomal Recessive and X-Linked Classification Criteria (2023). Collection method: clinical testing. Allele origin: unknown.
Comment: This variant is considered benign. This variant is a silent/synonymous amino acid change and it is not expected to impact splicing.

Labcorp Genetics (formerly Invitae), Labcorp
Classification: Likely benign for Juvenile polyposis syndrome. Last evaluated: 2022-04-07. Review status: criteria provided, single submitter. Criteria: Invitae Variant Classification Sherloc (09022015). Collection method: clinical testing. Allele origin: germline.

Ambry Genetics
Classification: Likely benign for Hereditary cancer-predisposing syndrome; Familial thoracic aortic aneurysm and aortic dissection. Last evaluated: 2019-08-22. Review status: criteria provided, single submitter. Criteria: Ambry Variant Classification Scheme 2023. Collection method: clinical testing. Allele origin: germline.